The following is an entry in ClinVar:

ClinVar aggregate classification (germline): Uncertain significance. Review status: criteria provided, multiple submitters, no conflicts (2 of 4 stars). 2 submissions from 2 submitters: Uncertain significance (2). Last evaluated 2025-06-09.

Conditions:
Inborn genetic diseases. Identifiers: MedGen C0950123, MeSH D030342.

Submissions (2):

Ambry Genetics
Classification: Uncertain significance for Inborn genetic diseases. Last evaluated: 2025-06-09. Review status: criteria provided, single submitter. Criteria: Ambry Variant Classification Scheme 2023. Collection method: clinical testing. Allele origin: germline.

GeneDx
Classification: Uncertain significance. Last evaluated: 2025-06-01. Review status: criteria provided, single submitter. Criteria: GeneDx Variant Classification Process June 2021. Collection method: clinical testing. Allele origin: germline. Affected: yes.
Comment: Not observed at significant frequency in large population cohorts (gnomAD); In silico analysis supports that this missense variant has a deleterious effect on protein structure/function; Has not been previously published as pathogenic or benign to our knowledge

NM_001375524.1(TRRAP):c.5432C>T (p.Pro1811Leu)

Gene: TRRAP (transformation/transcription domain associated protein; plus strand). Cytogenetic location: 7q22.1.
Variant type: single nucleotide variant.
Coding change: c.5432C>T on transcript NM_001375524.1 (MANE Select); coding-DNA position 5432, C replaced by T.
Protein change: p.Pro1811Leu; replaces proline 1811 with leucine.
Molecular consequence: missense variant.
Genome position (GRCh38, 1-based): chr7:98,950,973, C>T. VCF-style: chr7-98950973-C-T. GRCh37 (hg19) VCF-style: chr7-98548596-C-T.
Other names: c.5411C>T, p.Pro1804Leu (NM_001244580.2); c.5357C>T, p.Pro1786Leu (NM_003496.4); c.5357C>T (NM_003496.3); short protein forms P1811L, P1786L, P1804L.
Identifiers: ClinVar variation 3974505 (VCV003974505.2).